The following is an entry in ClinVar:

ClinVar aggregate classification (germline): Uncertain significance (1 of 4 stars; one submission).

Allele frequency attached by ClinVar (database versions not stated): gnomAD exomes below 0.00001.

Submission:

Labcorp Genetics (formerly Invitae), Labcorp
Classification: Uncertain significance. Last evaluated: 2024-09-19. Review status: criteria provided, single submitter. Criteria: Invitae Variant Classification Sherloc (09022015). Collection method: clinical testing. Allele origin: germline.
Comment: This sequence change replaces alanine, which is neutral and non-polar, with valine, which is neutral and non-polar, at codon 48 of the CFH protein (p.Ala48Val). This variant is present in population databases (no rsID available, gnomAD no frequency). This variant has not been reported in the literature in individuals affected with CFH-related conditions. An algorithm developed to predict the effect of missense changes on protein structure and function outputs the following: PolyPhen-2: "Possibly Damaging". The valine amino acid residue is found in multiple mammalian species, which suggests that this missense change does not adversely affect protein function. In summary, the available evidence is currently insufficient to determine the role of this variant in disease. Therefore, it has been classified as a Variant of Uncertain Significance.

NM_000186.4(CFH):c.143C>T (p.Ala48Val)

Gene: CFH (complement factor H; plus strand). Cytogenetic location: 1q31.3.
Variant type: single nucleotide variant.
Coding change: c.143C>T on transcript NM_000186.4 (MANE Select); coding-DNA position 143, C replaced by T.
Protein change: p.Ala48Val; replaces alanine 48 with valine.
Molecular consequence: missense variant.
Genome position (GRCh38, 1-based): chr1:196,673,062, C>T. VCF-style: chr1-196673062-C-T. GRCh37 (hg19) VCF-style: chr1-196642192-C-T.
Other names: c.143C>T, p.Ala48Val (NM_001014975.3); short protein forms A48V.
Identifiers: ClinVar variation 2783825 (VCV002783825.3), dbSNP rs1160820929, ClinGen allele CA343995839.